The following is an entry in ClinVar:

NM_001130145.3(YAP1):c.1070A>G (p.Gln357Arg)

Gene: YAP1 (Yes1 associated transcriptional regulator; plus strand). Cytogenetic location: 11q22.1.
Variant type: single nucleotide variant.
Coding change: c.1070A>G on transcript NM_001130145.3 (MANE Select); coding-DNA position 1070, A replaced by G.
Protein change: p.Gln357Arg; replaces glutamine 357 with arginine.
Molecular consequence: missense variant.
Genome position (GRCh38, 1-based): chr11:102,223,659, A>G. VCF-style: chr11-102223659-A-G. GRCh37 (hg19) VCF-style: chr11-102094390-A-G.
Other names: c.1022A>G, p.Gln341Arg (NM_001195044.2); c.536A>G, p.Gln179Arg (NM_001195045.2); c.956A>G, p.Gln319Arg (NM_001282097.2); c.920A>G, p.Gln307Arg (NM_001282098.2); c.968A>G, p.Gln323Arg (NM_001282099.2); c.1034A>G, p.Gln345Arg (NM_001282100.2); c.1082A>G, p.Gln361Arg (NM_001282101.2); c.908A>G, p.Gln303Arg (NM_006106.5); short protein forms Q179R, Q303R, Q307R, Q319R, Q323R, Q341R, Q345R, Q357R.
Identifiers: ClinVar variation 3907783 (VCV003907783.1).
Genomic context (GRCh38, chr11:102,223,659, plus strand): 5'-TCTTTGGCTTTATTTTTAATTAGGAGTTAGCCCTGCGTAGCCAGTTACCAACACTGGAGC[A>G]GGATGGTGGGACTCAAAATCCAGTGTCTTCTCCCGGGATGTCTCAGGAATTGAGAACAAT-3'
Protein context (NP_001123617.1, residues 347-367): ALRSQLPTLE[Gln357Arg]DGGTQNPVSS

ClinVar aggregate classification (germline): Uncertain significance (1 of 4 stars; one submission).

Submission:

GeneDx
Classification: Uncertain significance. Last evaluated: 2024-01-03. Review status: criteria provided, single submitter. Criteria: GeneDx Variant Classification Process June 2021. Collection method: clinical testing. Allele origin: germline. Affected: yes.
Comment: Not observed at significant frequency in large population cohorts (gnomAD); In silico analysis supports that this missense variant does not alter protein structure/function; Has not been previously published as pathogenic or benign to our knowledge; Variants in candidate genes are classified as variants of uncertain significance in accordance with ACMG guidelines (PMID: 25741868)